The following is an entry in ClinVar:

NM_000352.6(ABCC8):c.3099G>A (p.Leu1033=)

Gene: ABCC8 (ATP binding cassette subfamily C member 8; minus strand). Cytogenetic location: 11p15.1.
Variant type: single nucleotide variant.
Coding change: c.3099G>A on transcript NM_000352.6 (MANE Select); coding-DNA position 3099, G replaced by A.
Protein change: p.Leu1033=; no amino-acid change (leucine 1033 retained).
Molecular consequence: synonymous variant. On other transcripts: non-coding transcript variant (1).
Genome position (GRCh38, 1-based): chr11:17,406,951, C>T on the plus strand (G>A on the coding strand, the complement: ABCC8 is on the minus strand). VCF-style: chr11-17406951-C-T. GRCh37 (hg19) VCF-style: chr11-17428498-C-T.
Other names: c.3102G>A, p.Leu1034= (NM_001287174.3); c.3165G>A, p.Leu1055= (NM_001351295.2); c.3099G>A, p.Leu1033= (NM_001351296.2); c.3096G>A, p.Leu1032= (NM_001351297.2).
Identifiers: ClinVar variation 740515 (VCV000740515.12), dbSNP rs200693100, ClinGen allele CA5902925.
Genomic context (GRCh38, chr11:17,406,951, plus strand): 5'-GCTGAGGGAGCAGTTCCTGGCTGCAGGGGTCAGGGTCAGGGCGCTGTCGGTCCACTTGGC[C>T]AGCCAGTAGTCGATGGCCACCAGGACCATGTGCTTGAGCAGCTGTGAGAAGACCAGCAAC-3'
Protein context (NP_000343.2, residues 1023-1043): HMVLVAIDYW[Leu1033=]AKWTDSALTL

ClinVar aggregate classification (germline): Conflicting classifications of pathogenicity. Review status: criteria provided, conflicting classifications (1 of 4 stars). 4 submissions from 3 submitters: Uncertain significance (2); Likely benign (1). 1 of the submissions does not count toward it. Last evaluated 2024-03-20.

Conditions:
Hereditary hyperinsulinism.
Transitory neonatal diabetes mellitus. Also called: Transient neonatal diabetes mellitus. Identifiers: MedGen C0342273, MONDO:0020525, HP:0008255.
Maturity-onset diabetes of the young (MODY). Also called: Maturity onset diabetes mellitus in young. Identifiers: Orphanet 552, MedGen C0342276, MONDO:0018911, HP:0004904.

Allele frequency attached by ClinVar (database versions not stated): gnomAD exomes 0.00001 and 0.00002; ExAC 0.00003; gnomAD 0.00007; TOPMed 0.00008; 1000 Genomes Project 0.00020; 1000 Genomes Project 30x 0.00031.

Submissions (4):

Labcorp Genetics (formerly Invitae), Labcorp
Classification: Likely benign. Last evaluated: 2024-03-20. Review status: criteria provided, single submitter. Criteria: Invitae Variant Classification Sherloc (09022015). Collection method: clinical testing. Allele origin: germline.

Clinical Genomics, Uppaluri K&H Personalized Medicine Clinic
Classification: Uncertain significance for Maturity-onset diabetes of the young. Review status: criteria provided, single submitter. Criteria: K & H Uppaluri Personalized Medicine Clinic Variant Classification & Assertion Criteria_Updated V.1. Collection method: research. Allele origin: unknown. Inheritance: Autosomal dominant inheritance.
Comment: Mutations in ABCC8 gene are associated with both neonatal diabetes mellitus as well as MODY. Patients with this mutation may have a better response to sulfonylureas. However, no sufficient evidence is found to ascertain the role of this particular variant (rs200693100) in MODY yet.

Clinical Genomics, Uppaluri K&H Personalized Medicine Clinic
Classification: Uncertain significance for Transitory neonatal diabetes mellitus. Review status: criteria provided, single submitter. Criteria: K & H Uppaluri Personalized Medicine Clinic Variant Classification & Assertion Criteria_Updated V.1. Collection method: research. Allele origin: unknown. Inheritance: Somatic mutation.
Comment: Mutations in ABCC8 gene are associated with both neonatal diabetes mellitus as well as MODY. Patients with this mutation may have a better response to sulfonylureas. However, no sufficient evidence is found to ascertain the role of this particular variant (rs200693100) in neonatal diabetes yet.

Natera, Inc.
Classification: Likely benign for Hereditary hyperinsulinism. Last evaluated: 2020-02-27. Review status: no assertion criteria provided. Collection method: clinical testing. Allele origin: germline. Not counted in ClinVar's aggregate classification.

Literature cited by the submitters: PubMed 16885549 (cited by Clinical Genomics, Uppaluri K&H Personalized Medicine Clinic); PubMed 21989597 (cited by Clinical Genomics, Uppaluri K&H Personalized Medicine Clinic); PubMed 27538677 (cited by Clinical Genomics, Uppaluri K&H Personalized Medicine Clinic); PubMed 18981553 (cited by Clinical Genomics, Uppaluri K&H Personalized Medicine Clinic); PubMed 32027066 (cited by Clinical Genomics, Uppaluri K&H Personalized Medicine Clinic); PubMed 16613899 (cited by Clinical Genomics, Uppaluri K&H Personalized Medicine Clinic); PubMed 18025408 (cited by Clinical Genomics, Uppaluri K&H Personalized Medicine Clinic); PubMed 32792356 (cited by Clinical Genomics, Uppaluri K&H Personalized Medicine Clinic).